The following is an entry in ClinVar:

NM_133433.4(NIPBL):c.1336A>T (p.Lys446Ter)

Gene: NIPBL (NIPBL cohesin loading factor; plus strand). Cytogenetic location: 5p13.2.
Variant type: single nucleotide variant.
Coding change: c.1336A>T on transcript NM_133433.4 (MANE Select); coding-DNA position 1336, A replaced by T.
Protein change: p.Lys446Ter; replaces lysine 446 with a stop codon.
Molecular consequence: nonsense.
Genome position (GRCh38, 1-based): chr5:36,976,243, A>T. VCF-style: chr5-36976243-A-T. GRCh37 (hg19) VCF-style: chr5-36976345-A-T.
Other names: c.1336A>T, p.Lys446Ter (NM_015384.5); short protein forms K446*.
Identifiers: ClinVar variation 2698459 (VCV002698459.3), dbSNP rs770354010, ClinGen allele CA359486686.

ClinVar aggregate classification (germline): Pathogenic (1 of 4 stars; one submission).

Conditions:
Cornelia de Lange syndrome 1 (CDLS1). Also called: Brachmann de Lange syndrome; TYPUS DEGENERATIVUS AMSTELODAMENSIS; NIPBL-Related Cornelia de Lange Syndrome. Identifiers: Orphanet 199, MedGen C4551851, MONDO:0007387, OMIM 122470.

Submission:

Labcorp Genetics (formerly Invitae), Labcorp
Classification: Pathogenic for Cornelia de Lange syndrome 1. Last evaluated: 2023-11-24. Review status: criteria provided, single submitter. Criteria: Invitae Variant Classification Sherloc (09022015). Collection method: clinical testing. Allele origin: germline.
Comment: This sequence change creates a premature translational stop signal (p.Lys446*) in the NIPBL gene. It is expected to result in an absent or disrupted protein product. Loss-of-function variants in NIPBL are known to be pathogenic (PMID: 15318302, 19763162, 23505322, 29995837). This variant is not present in population databases (gnomAD no frequency). This variant has not been reported in the literature in individuals affected with NIPBL-related conditions. For these reasons, this variant has been classified as Pathogenic.

Literature cited by the submitters: PubMed 15318302; PubMed 19763162; PubMed 23505322; PubMed 29995837.